The following is an entry in ClinVar:

NM_004168.4(SDHA):c.151-3C>T

Gene: SDHA (succinate dehydrogenase complex flavoprotein subunit A; plus strand). Cytogenetic location: 5p15.33.
Variant type: single nucleotide variant.
Coding change: c.151-3C>T on transcript NM_004168.4 (MANE Select); 3 bases into the intron before coding-DNA position 151, C replaced by T.
Molecular consequence: intron variant.
Genome position (GRCh38, 1-based): chr5:224,357, C>T. VCF-style: chr5-224357-C-T. GRCh37 (hg19) VCF-style: chr5-224472-C-T.
Other names: c.151-3C>T (NM_001330758.2, NM_001294332.2, NM_004168.2).
Identifiers: ClinVar variation 2420451 (VCV002420451.11), dbSNP rs2126542270, ClinGen allele CA2580073080.

ClinVar aggregate classification (germline): Uncertain significance. Review status: criteria provided, multiple submitters, no conflicts (2 of 4 stars). 2 submissions from 2 submitters: Uncertain significance (2). Last evaluated 2026-01-28.

Conditions:
Pheochromocytoma/paraganglioma syndrome 5. Also called: Paragangliomas 5; SDHA-Related Hereditary Paraganglioma-Pheochromocytoma Syndrome. Identifiers: Orphanet 29072, MedGen C3279992, MONDO:0013602, OMIM 614165.
Mitochondrial complex II deficiency, nuclear type 1. Also called: SUCCINATE CoQ REDUCTASE DEFICIENCY. Identifiers: Orphanet 3208, MedGen C5700310, MONDO:0100294, OMIM 252011.
Hereditary cancer-predisposing syndrome. Also called: Neoplastic Syndromes, Hereditary; Tumor predisposition; Hereditary Cancer Syndrome; Hereditary neoplastic syndrome. Identifiers: Orphanet 140162, MedGen C0027672, MeSH D009386, MONDO:0015356.

Allele frequency attached by ClinVar (database versions not stated): gnomAD exomes below 0.00001.
gnomAD v4.1: 2 of 1,612,902 alleles (0.00012%); highest among the groups gnomAD compares: Non-Finnish European, 0.00017%; no homozygotes.

Submissions (2):

Ambry Genetics
Classification: Uncertain significance for Hereditary cancer-predisposing syndrome. Last evaluated: 2026-01-28. Review status: criteria provided, single submitter. Criteria: Ambry Variant Classification Scheme 2023. Collection method: clinical testing. Allele origin: germline.
Comment: The c.151-3C>T intronic variant results from a C to T substitution 3 nucleotides upstream from coding exon 3 in the SDHA gene. This nucleotide position is well conserved in available vertebrate species. In silico splice site analysis predicts that this alteration will not have any significant effect on splicing. Based on the available evidence, the clinical significance of this variant remains unclear.

Labcorp Genetics (formerly Invitae), Labcorp
Classification: Uncertain significance for Pheochromocytoma/paraganglioma syndrome 5; Mitochondrial complex II deficiency, nuclear type 1. Last evaluated: 2022-04-27. Review status: criteria provided, single submitter. Criteria: Invitae Variant Classification Sherloc (09022015). Collection method: clinical testing. Allele origin: germline.
Comment: In summary, the available evidence is currently insufficient to determine the role of this variant in disease. Therefore, it has been classified as a Variant of Uncertain Significance. Variants that disrupt the consensus splice site are a relatively common cause of aberrant splicing (PMID: 17576681, 9536098). Algorithms developed to predict the effect of sequence changes on RNA splicing suggest that this variant is not likely to affect RNA splicing. This variant has not been reported in the literature in individuals affected with SDHA-related conditions. This variant is not present in population databases (gnomAD no frequency). This sequence change falls in intron 2 of the SDHA gene. It does not directly change the encoded amino acid sequence of the SDHA protein. It affects a nucleotide within the consensus splice site.

Literature cited by the submitters: PubMed 17576681 (cited by Labcorp Genetics (formerly Invitae), Labcorp); PubMed 9536098 (cited by Labcorp Genetics (formerly Invitae), Labcorp).